The following is an entry in ClinVar:

ClinVar aggregate classification (germline): Likely benign. Review status: criteria provided, multiple submitters, no conflicts (2 of 4 stars). 2 submissions from 2 submitters: Likely benign (2). Last evaluated 2023-07-17.

Conditions:
Developmental and epileptic encephalopathy, 27 (DEE27). Also called: GRIN2B-Related Neurodevelopmental Disorder; Epileptic encephalopathy, early infantile, 27. Identifiers: Orphanet 3451, MedGen C4015316, MONDO:0014505, OMIM 616139.
Intellectual developmental disorder, autosomal dominant 6, with or without seizures. Also called: GRIN2B-related developmental delay, intellectual disability and autism spectrum disorder; Intellectual disability, autosomal dominant 6. Identifiers: Orphanet 589547, MedGen C3151411, MONDO:0013509, OMIM 613970.

Allele frequency attached by ClinVar (database versions not stated): ExAC 0.00004; gnomAD exomes 0.00004.
gnomAD v4.1: 6 of 1,614,116 alleles (0.00037%); highest among the groups gnomAD compares: East Asian, 0.011%; no homozygotes.

Submissions (2):

Labcorp Genetics (formerly Invitae), Labcorp
Classification: Likely benign for Developmental and epileptic encephalopathy, 27; Intellectual developmental disorder, autosomal dominant 6, with or without seizures. Last evaluated: 2023-07-17. Review status: criteria provided, single submitter. Criteria: Invitae Variant Classification Sherloc (09022015). Collection method: clinical testing. Allele origin: germline.

GeneDx
Classification: Likely benign. Last evaluated: 2017-12-20. Review status: criteria provided, single submitter. Criteria: GeneDx Variant Classification (06012015). Collection method: clinical testing. Allele origin: germline. Affected: yes.
Comment: This variant is considered likely benign or benign based on one or more of the following criteria: it is a conservative change, it occurs at a poorly conserved position in the protein, it is predicted to be benign by multiple in silico algorithms, and/or has population frequency not consistent with disease.

NM_000834.5(GRIN2B):c.3714G>T (p.Ala1238=)

Gene: GRIN2B (glutamate ionotropic receptor NMDA type subunit 2B; minus strand). Cytogenetic location: 12p13.1.
Variant type: single nucleotide variant.
Coding change: c.3714G>T on transcript NM_000834.5 (MANE Select); coding-DNA position 3714, G replaced by T.
Protein change: p.Ala1238=; no amino-acid change (alanine 1238 retained).
Molecular consequence: synonymous variant.
Genome position (GRCh38, 1-based): chr12:13,563,524, C>A on the plus strand (G>T on the coding strand, the complement: GRIN2B is on the minus strand). VCF-style: chr12-13563524-C-A. GRCh37 (hg19) VCF-style: chr12-13716458-C-A.
Identifiers: ClinVar variation 514131 (VCV000514131.9), dbSNP rs760725802, ClinGen allele CA6460857.